The following is an entry in ClinVar:

ClinVar aggregate classification (germline): Uncertain significance (1 of 4 stars; one submission).

gnomAD v4.1: 6 of 1,612,744 alleles (0.00037%); highest among the groups gnomAD compares: African/African-American, 0.0027%; no homozygotes.

Submission:

Labcorp Genetics (formerly Invitae), Labcorp
Classification: Uncertain significance. Last evaluated: 2023-11-07. Review status: criteria provided, single submitter. Criteria: Invitae Variant Classification Sherloc (09022015). Collection method: clinical testing. Allele origin: germline.
Comment: This sequence change falls in intron 3 of the SIAE gene. It does not directly change the encoded amino acid sequence of the SIAE protein. This variant is present in population databases (no rsID available, gnomAD 0.0009%). This variant has not been reported in the literature in individuals affected with SIAE-related conditions. Algorithms developed to predict the effect of sequence changes on RNA splicing suggest that this variant may create or strengthen a splice site. In summary, the available evidence is currently insufficient to determine the role of this variant in disease. Therefore, it has been classified as a Variant of Uncertain Significance.

NM_170601.5(SIAE):c.406-13A>G

Gene: SIAE (sialic acid acetylesterase; minus strand). Cytogenetic location: 11q24.2.
Variant type: single nucleotide variant.
Coding change: c.406-13A>G on transcript NM_170601.5 (MANE Select); 13 bases into the intron before coding-DNA position 406, A replaced by G.
Molecular consequence: intron variant.
Genome position (GRCh38, 1-based): chr11:124,654,806, T>C on the plus strand (A>G on the coding strand, the complement: SIAE is on the minus strand). VCF-style: chr11-124654806-T-C. GRCh37 (hg19) VCF-style: chr11-124524702-T-C.
Other names: c.301-13A>G (NM_001199922.2).
Identifiers: ClinVar variation 2789279 (VCV002789279.3), dbSNP rs745368477, ClinGen allele CA230395208.
Genomic context (GRCh38, chr11:124,654,806, plus strand): 5'-AGACTGATATGCCGCAGTGTTAGACAACTCCCTTGTAGCATTAAATATCTGGAAAAGAAA[T>C]TGAAACGTCATTTAACCTAGCAGGTGGTGAACTAGCCTGACACCTCTTAGTAAACATCAG-3'